The following is an entry in ClinVar:

ClinVar aggregate classification (germline): Uncertain significance. Review status: criteria provided, multiple submitters, no conflicts (2 of 4 stars). 2 submissions from 2 submitters: Uncertain significance (2). Last evaluated 2025-07-10.

Conditions:
Hereditary cancer-predisposing syndrome. Also called: Hereditary Cancer Syndrome; Hereditary neoplastic syndrome; Tumor predisposition; Neoplastic Syndromes, Hereditary. Identifiers: Orphanet 140162, MedGen C0027672, MeSH D009386, MONDO:0015356.

Submissions (2):

Labcorp Genetics (formerly Invitae), Labcorp
Classification: Uncertain significance. Last evaluated: 2025-07-10. Review status: criteria provided, single submitter. Criteria: Invitae Variant Classification Sherloc (09022015). Collection method: clinical testing. Allele origin: germline.
Comment: This sequence change is expected to alter the c-terminus of the MSH3 protein (p.Gln1132Aspfs*8). While this is not anticipated to result in nonsense mediated decay, it is expected to disrupt the last 6 amino acid(s) of the MSH3 protein and extend the protein by 1 additional amino acid residues. This variant is not present in population databases (gnomAD no frequency). This variant has not been reported in the literature in individuals affected with MSH3-related conditions. Experimental studies and prediction algorithms are not available or were not evaluated, and the functional significance of this variant is currently unknown. In summary, the available evidence is currently insufficient to determine the role of this variant in disease. Therefore, it has been classified as a Variant of Uncertain Significance.

Ambry Genetics
Classification: Uncertain significance for Hereditary cancer-predisposing syndrome. Last evaluated: 2024-07-10. Review status: criteria provided, single submitter. Criteria: Ambry Variant Classification Scheme 2023. Collection method: clinical testing. Allele origin: germline.
Comment: The c.3394_3395delCA variant, located in coding exon 24 of the MSH3 gene, results from a deletion of two nucleotides at nucleotide positions 3394 to 3395, causing a translational frameshift with a predicted alternate stop codon (p.Q1132Dfs*8). This alteration occurs at the 3' terminus of theMSH3 gene, is not expected to trigger nonsense-mediated mRNAdecay, and only impacts the last 6 amino acids of the protein. The exact functional effect of this alteration is unknown. Based on the available evidence, the clinical significance of this variant remains unclear.

NM_002439.5(MSH3):c.3394_3395del (p.Gln1132fs)

Gene: MSH3 (mutS homolog 3; plus strand). Cytogenetic location: 5q14.1.
Variant type: Microsatellite.
Coding change: c.3394_3395del on transcript NM_002439.5 (MANE Select); coding-DNA positions 3394 to 3395, 2 bases deleted (CA; older notation c.3394_3395delCA).
Protein change: p.Gln1132fs; shifts the reading frame from glutamine 1132.
Molecular consequence: frameshift variant.
Genome position (GRCh38, 1-based): chr5:80,875,842-80,875,843, CA deleted; deleting any 2 consecutive bases within chr5:80,875,839-80,875,843 gives the same sequence; the c. name uses the placement nearest the transcript's 3' end. VCF-style (leftmost placement, unchanged base first): chr5-80875838-AAC-A. GRCh37 (hg19) VCF-style: chr5-80171657-AAC-A.
Other names: c.3394_3395delCA (NM_002439.3); short protein forms Q1132fs.
Identifiers: ClinVar variation 1400098 (VCV001400098.7), dbSNP rs2112131913, ClinGen allele CA2580613596.
Genomic context (GRCh38, chr5:80,875,838, plus strand): 5'-ATGGACGATGCATAATGCACAAGACCTGCAGAAGTGGACAGAGGAGTTCAACATGGAAGA[AAC>A]ACAGACTTCTCTTCTTCATTAAAATGAAGACTACATTTGTGAACAAAAAATGGAGAATTA-3'